The following is an entry in ClinVar:

ClinVar aggregate classification (germline): Uncertain significance (1 of 4 stars; one submission).

Conditions:
Emery-Dreifuss muscular dystrophy 5, autosomal dominant (EDMD5). Also called: EMERY-DREIFUSS MUSCULAR DYSTROPHY 5. Identifiers: Orphanet 261, MedGen C2751805, MONDO:0013072, OMIM 612999.

Submission:

Labcorp Genetics (formerly Invitae), Labcorp
Classification: Uncertain significance for Emery-Dreifuss muscular dystrophy 5, autosomal dominant. Last evaluated: 2022-05-06. Review status: criteria provided, single submitter. Criteria: Invitae Variant Classification Sherloc (09022015). Collection method: clinical testing. Allele origin: germline.
Comment: In summary, the available evidence is currently insufficient to determine the role of this variant in disease. Therefore, it has been classified as a Variant of Uncertain Significance. Algorithms developed to predict the effect of missense changes on protein structure and function are either unavailable or do not agree on the potential impact of this missense change (SIFT: "Tolerated"; PolyPhen-2: "Probably Damaging"; Align-GVGD: "Class C0"). This variant has not been reported in the literature in individuals affected with SYNE2-related conditions. This variant is not present in population databases (gnomAD no frequency). This sequence change replaces glycine, which is neutral and non-polar, with serine, which is neutral and polar, at codon 6437 of the SYNE2 protein (p.Gly6437Ser).

NM_182914.3(SYNE2):c.19309G>A (p.Gly6437Ser)

Gene: SYNE2 (spectrin repeat containing nuclear envelope protein 2; plus strand). Cytogenetic location: 14q23.2.
Variant type: single nucleotide variant.
Coding change: c.19309G>A on transcript NM_182914.3 (MANE Select); coding-DNA position 19309, G replaced by A.
Protein change: p.Gly6437Ser; replaces glycine 6437 with serine.
Molecular consequence: missense variant.
Genome position (GRCh38, 1-based): chr14:64,214,446, G>A. VCF-style: chr14-64214446-G-A. GRCh37 (hg19) VCF-style: chr14-64681164-G-A.
Other names: c.19309G>A, p.Gly6437Ser (NM_015180.6); c.211G>A, p.Gly71Ser (NM_182913.4); short protein forms G6437S, G71S.
Identifiers: ClinVar variation 2153771 (VCV002153771.4), dbSNP rs2550167430, ClinGen allele CA389957198.